The following is an entry in ClinVar:

ClinVar aggregate classification (germline): Uncertain significance (1 of 4 stars; one submission).

Conditions:
Inborn genetic diseases. Identifiers: MedGen C0950123, MeSH D030342.

gnomAD v4.1: 3 of 1,614,150 alleles (0.00019%); highest among the groups gnomAD compares: Non-Finnish European, 0.00025%; no homozygotes.

Submission:

Ambry Genetics
Classification: Uncertain significance for Inborn genetic diseases. Last evaluated: 2024-11-23. Review status: criteria provided, single submitter. Criteria: Ambry Variant Classification Scheme 2023. Collection method: clinical testing. Allele origin: germline.
Comment: The p.A140V variant (also known as c.419C>T), located in coding exon 3 of the USB1 gene, results from a C to T substitution at nucleotide position 419. The alanine at codon 140 is replaced by valine, an amino acid with similar properties. This amino acid position is conserved. In addition, this alteration is predicted to be tolerated by in silico analysis. Based on the available evidence, the clinical significance of this variant remains unclear.

NM_024598.4(USB1):c.419C>T (p.Ala140Val)

Gene: USB1 (U6 snRNA biogenesis phosphodiesterase 1; plus strand). Cytogenetic location: 16q21.
Variant type: single nucleotide variant.
Coding change: c.419C>T on transcript NM_024598.4 (MANE Select); coding-DNA position 419, C replaced by T.
Protein change: p.Ala140Val; replaces alanine 140 with valine.
Molecular consequence: missense variant.
Genome position (GRCh38, 1-based): chr16:58,010,082, C>T. VCF-style: chr16-58010082-C-T. GRCh37 (hg19) VCF-style: chr16-58043986-C-T.
Other names: c.419C>T, p.Ala140Val (NM_001195302.2, NM_001204911.2, NM_001330569.2); c.266C>T, p.Ala89Val (NM_001330568.2); short protein forms A140V, A89V.
Identifiers: ClinVar variation 3466470 (VCV003466470.1).
Genomic context (GRCh38, chr16:58,010,082, plus strand): 5'-ACCTCAGCCTGTCCCAGAGTGTGGTTCTGCGCCACCACTGGATCCTCCCCTTCGTGCAGG[C>T]TCTGAAAGCCCGTATGACCTCCTTCCACAGGTGAGTGCTTCTTCCCTCTGCCTCTCCACT-3'
Protein context (NP_078874.2, residues 130-150): RHHWILPFVQ[Ala140Val]LKARMTSFHR